The following is an entry in ClinVar:

ClinVar aggregate classification (germline): Uncertain significance (1 of 4 stars; one submission).

Conditions:
Ehlers-Danlos syndrome, type 4 (EDSVASC). Also called: Ehlers-Danlos syndrome vascular type; Ehlers Danlos syndrome, ecchymotic type; Ehlers Danlos syndrome, arterial type; Ehlers Danlos syndrome, Sack-Barabas type; Ehlers-Danlos Syndrome Type IV. Identifiers: Orphanet 286, MedGen C0268338, MONDO:0017314, OMIM 130050.

Submission:

Labcorp Genetics (formerly Invitae), Labcorp
Classification: Uncertain significance for Ehlers-Danlos syndrome, type 4. Last evaluated: 2023-02-22. Review status: criteria provided, single submitter. Criteria: Invitae Variant Classification Sherloc (09022015). Collection method: clinical testing. Allele origin: germline.
Comment: This sequence change replaces glutamic acid, which is acidic and polar, with alanine, which is neutral and non-polar, at codon 1297 of the COL3A1 protein (p.Glu1297Ala). In summary, the available evidence is currently insufficient to determine the role of this variant in disease. Therefore, it has been classified as a Variant of Uncertain Significance. This variant is not present in population databases (gnomAD no frequency). This variant has not been reported in the literature in individuals affected with COL3A1-related conditions. Advanced modeling of protein sequence and biophysical properties (such as structural, functional, and spatial information, amino acid conservation, physicochemical variation, residue mobility, and thermodynamic stability) performed at Invitae indicates that this missense variant is not expected to disrupt COL3A1 protein function.

NM_000090.4(COL3A1):c.3890A>C (p.Glu1297Ala)

Gene: COL3A1 (collagen type III alpha 1 chain; plus strand). Cytogenetic location: 2q32.2.
Variant type: single nucleotide variant.
Coding change: c.3890A>C on transcript NM_000090.4 (MANE Select); coding-DNA position 3890, A replaced by C.
Protein change: p.Glu1297Ala; replaces glutamic acid 1297 with alanine.
Molecular consequence: missense variant.
Genome position (GRCh38, 1-based): chr2:189,010,244, A>C. VCF-style: chr2-189010244-A-C. GRCh37 (hg19) VCF-style: chr2-189874970-A-C.
Other names: short protein forms E1297A.
Identifiers: ClinVar variation 2839655 (VCV002839655.3), dbSNP rs1688691323, ClinGen allele CA349848579.